The following is an entry in ClinVar:

NM_001374736.1(DST):c.14101A>C (p.Ile4701Leu)

Genes: DST (dystonin; minus strand), LOC129389544 (MPRA-validated peak5860 silencer; plus strand). Cytogenetic location: 6p12.1.
Variant type: single nucleotide variant.
Coding change: c.14101A>C on transcript NM_001374736.1 (MANE Select); coding-DNA position 14101, A replaced by C.
Protein change: p.Ile4701Leu; replaces isoleucine 4701 with leucine.
Molecular consequence: missense variant.
Genome position (GRCh38, 1-based): chr6:56,561,517, T>G on the plus strand (A>C on the coding strand, the complement: DST is on the minus strand). VCF-style: chr6-56561517-T-G. GRCh37 (hg19) VCF-style: chr6-56426315-T-G.
Other names: c.7744A>C, p.Ile2582Leu (NM_001144769.5); c.7330A>C, p.Ile2444Leu (NM_001144770.2); c.14101A>C, p.Ile4701Leu (NM_001374722.1); c.13468A>C, p.Ile4490Leu (NM_001374729.1); c.7210A>C, p.Ile2404Leu (NM_001374730.1, NM_001386100.1, NM_183380.4); c.14128A>C, p.Ile4710Leu (NM_001374734.1); c.6232A>C, p.Ile2078Leu (NM_015548.5); short protein forms I2078L, I2404L, I2444L, I2582L, I4490L, I4701L, I4710L.
Identifiers: ClinVar variation 3761061 (VCV003761061.1).

ClinVar aggregate classification (germline): Uncertain significance (1 of 4 stars; one submission).

Conditions:
Epidermolysis bullosa simplex 3, localized or generalized intermediate, with BP230 deficiency (EBS3). Also called: Epidermolysis bullosa simplex due to BP230 deficiency; Epidermolysis bullosa simplex, autosomal recessive 2. Identifiers: Orphanet 412181, MedGen C3809470, MONDO:0014180, OMIM 615425.
Hereditary sensory and autonomic neuropathy type 6. Also called: Neuropathy, hereditary sensory and autonomic, type VI; HSAN VI. Identifiers: Orphanet 314381, MedGen C3539003, MONDO:0013839, OMIM 614653.

gnomAD v4.1: 4 of 1,613,322 alleles (0.00025%); highest among the groups gnomAD compares: Admixed American, 0.0017%; no homozygotes.

Submission:

Labcorp Genetics (formerly Invitae), Labcorp
Classification: Uncertain significance for Epidermolysis bullosa simplex 3, localized or generalized intermediate, with BP230 deficiency; Hereditary sensory and autonomic neuropathy type 6. Last evaluated: 2024-11-04. Review status: criteria provided, single submitter. Criteria: Invitae Variant Classification Sherloc (09022015). Collection method: clinical testing. Allele origin: germline.
Comment: The DST gene has multiple clinically relevant transcripts. This variant occurs in alternate transcript NM_015548.4, and corresponds to NM_001723.5:c.*54000A>C in the primary transcript. This sequence change replaces isoleucine, which is neutral and non-polar, with leucine, which is neutral and non-polar, at codon 2078 of the DST protein (p.Ile2078Leu). This variant is present in population databases (rs780041096, gnomAD 0.002%). This variant has not been reported in the literature in individuals affected with DST-related conditions. Experimental studies and prediction algorithms are not available or were not evaluated, and the functional significance of this variant is currently unknown. In summary, the available evidence is currently insufficient to determine the role of this variant in disease. Therefore, it has been classified as a Variant of Uncertain Significance.